The following is an entry in ClinVar:

NM_004333.6(BRAF):c.1574T>G (p.Leu525Arg)

Gene: BRAF (B-Raf proto-oncogene, serine/threonine kinase; minus strand). Cytogenetic location: 7q34.
Variant type: single nucleotide variant.
Coding change: c.1574T>G on transcript NM_004333.6 (MANE Select); coding-DNA position 1574, T replaced by G.
Protein change: p.Leu525Arg; replaces leucine 525 with arginine.
Molecular consequence: missense variant.
Genome position (GRCh38, 1-based): chr7:140,777,032, A>C on the plus strand (T>G on the coding strand, the complement: BRAF is on the minus strand). VCF-style: chr7-140777032-A-C. GRCh37 (hg19) VCF-style: chr7-140476832-A-C.
Other names: c.1574T>G, p.Leu525Arg (NM_001354609.2, NM_001378468.1, NM_001378474.1); c.1694T>G, p.Leu565Arg (NM_001374244.1, NM_001374258.1); c.1583T>G, p.Leu528Arg (NM_001378467.1); c.1508T>G, p.Leu503Arg (NM_001378469.1); c.1472T>G, p.Leu491Arg (NM_001378470.1); c.1463T>G, p.Leu488Arg (NM_001378471.1); c.1418T>G, p.Leu473Arg (NM_001378472.1, NM_001378473.1); c.1310T>G, p.Leu437Arg (NM_001378475.1); short protein forms L525R, L437R, L473R, L488R, L491R, L503R, L528R, L565R.
Identifiers: ClinVar variation 372626 (VCV000372626.4), dbSNP rs869025340, ClinGen allele CA16042565.
Genomic context (GRCh38, chr7:140,777,032, plus strand): 5'-TCAATGATATGGAGATGGTGATACAAGCTGGAGCCCTCACACCACTGGGTAACAATAGCC[A>C]GTTGTGGCTTTGTGGAATAGCCCATGAAGAGTAGGATATTCACATGTCGTGTTTTCCTGT-3'
Protein context (NP_004324.2, residues 515-535): LFMGYSTKPQ[Leu525Arg]AIVTQWCEGS

ClinVar aggregate classification (germline): Pathogenic. Review status: criteria provided, single submitter (1 of 4 stars). 2 submissions from 2 submitters: Pathogenic (1). 1 of the submissions does not count toward it. Last evaluated 2024-05-29.

Conditions:
Malignant lymphoma, large B-cell, diffuse. Also called: Diffuse large B cell lymphoma. Identifiers: Orphanet 544, MedGen C0079744, MeSH D016403, MONDO:0018905.

Submissions (2):

GeneDx
Classification: Pathogenic. Last evaluated: 2024-05-29. Review status: criteria provided, single submitter. Criteria: GeneDx Variant Classification Process June 2021. Collection method: clinical testing. Allele origin: germline. Affected: yes.
Comment: Not observed at significant frequency in large population cohorts (gnomAD); Missense variants in this gene are a common cause of disease and they are underrepresented in the general population; In silico analysis supports that this missense variant has a deleterious effect on protein structure/function; This variant is associated with the following publications: (PMID: 34906519, 35982159, 33057194)

Department Of Pathology & Laboratory Medicine, University Of Pennsylvania
Classification: Likely pathogenic for Malignant lymphoma, large B-cell, diffuse. Last evaluated: 2023-12-04. Review status: no assertion criteria provided. Collection method: clinical testing. Allele origin: somatic. Affected: yes. Observed: 1 variant allele. Not counted in ClinVar's aggregate classification.
Comment: Post-initial therapy specimen.